The following is an entry in ClinVar:

NM_004606.5(TAF1):c.359A>T (p.Asp120Val)

Gene: TAF1 (TATA-box binding protein associated factor 1; plus strand). Cytogenetic location: Xq13.1.
Variant type: single nucleotide variant.
Coding change: c.359A>T on transcript NM_004606.5 (MANE Select); coding-DNA position 359, A replaced by T.
Protein change: p.Asp120Val; replaces aspartic acid 120 with valine.
Molecular consequence: missense variant. On other transcripts: non-coding transcript variant (9).
Genome position (GRCh38, 1-based): chrX:71,375,173, A>T. VCF-style: chrX-71375173-A-T. GRCh37 (hg19) VCF-style: chrX-70595023-A-T.
Other names: c.359A>T, p.Asp120Val (NM_001286074.2, NM_138923.4); short protein forms D120V.
Identifiers: ClinVar variation 973312 (VCV000973312.4), dbSNP rs2033381697, ClinGen allele CA413503347.

ClinVar aggregate classification (germline): Uncertain significance (1 of 4 stars; one submission).

Conditions:
TAF1-related syndromic intellectual disability.

Submission:

Illumina Laboratory Services, Illumina
Classification: Uncertain significance for TAF1-related syndromic intellectual disability. Last evaluated: 2019-10-17. Review status: criteria provided, single submitter. Criteria: ICSLVariantClassificationCriteria RUGD 01 April 2020. Collection method: clinical testing. Allele origin: unknown.
Comment: The TAF1 c.419A>T (p.Asp140Val) variant is a missense variant. A literature search was performed for the gene, cDNA change, and amino acid change. No publications were found through this search. This variant is not reported in the Genome Aggregation Database despite good sequencing coverage. It is therefore presumed to be rare. The p.Asp140Val is located in a kinase domain of TAF1, but the functional significance of this domain has not been determined, and previously reported missense variants are distributed throughout the gene (Hurst et al. 2018). Based on the available evidence, the p.Asp140Val variant is classified as of unknown significance for TAF1-related syndromic intellectual disability.